The following is an entry in ClinVar:

NM_001388492.1(HTT):c.8016G>T (p.Ser2672=)

Gene: HTT (huntingtin; plus strand). Cytogenetic location: 4p16.3.
Variant type: single nucleotide variant.
Coding change: c.8016G>T on transcript NM_001388492.1 (MANE Select); coding-DNA position 8016, G replaced by T.
Protein change: p.Ser2672=; no amino-acid change (serine 2672 retained).
Molecular consequence: synonymous variant.
Genome position (GRCh38, 1-based): chr4:3,228,916, G>T. VCF-style: chr4-3228916-G-T. GRCh37 (hg19) VCF-style: chr4-3230643-G-T.
Other names: c.8022G>T, p.Ser2674= (NM_002111.8).
Identifiers: ClinVar variation 5039730 (VCV005039730.1).
Genomic context (GRCh38, chr4:3,228,916, plus strand): 5'-ATACCCATCTCGCATATTCCACAGGAAACACCGGGCTGGAGTTGACATCCACTCCTGTTC[G>T]CAGTTTTTGCTTGAGTTGTACAGCCGCTGGATCCTGCCGTCCAGCTCAGCCAGGAGGACC-3'
Protein context (NP_001375421.1, residues 2662-2682): HRAGVDIHSC[Ser2672=]QFLLELYSRW

ClinVar aggregate classification (germline): Likely benign (1 of 4 stars; one submission).

Submission:

CeGaT Center for Human Genetics Tuebingen
Classification: Likely benign. Last evaluated: 2026-08-01. Review status: criteria provided, single submitter. Criteria: CeGaT Center For Human Genetics Tuebingen Variant Classification Criteria Version 2. Collection method: clinical testing. Allele origin: germline. Affected: yes. Observed: 1 variant allele.
Comment: HTT: PM2:Supporting, BP4, BP7